The following is an entry in ClinVar:

NM_000395.3(CSF2RB):c.1871G>A (p.Gly624Glu)

Gene: CSF2RB (colony stimulating factor 2 receptor subunit beta; plus strand). Cytogenetic location: 22q12.3.
Variant type: single nucleotide variant.
Coding change: c.1871G>A on transcript NM_000395.3 (MANE Select); coding-DNA position 1871, G replaced by A.
Protein change: p.Gly624Glu; replaces glycine 624 with glutamic acid.
Molecular consequence: missense variant.
Genome position (GRCh38, 1-based): chr22:36,937,679, G>A. VCF-style: chr22-36937679-G-A. GRCh37 (hg19) VCF-style: chr22-37333721-G-A.
Other names: c.1889G>A, p.Gly630Glu (NM_001410827.1); short protein forms G624E, G630E.
Identifiers: ClinVar variation 4696132 (VCV004696132.1).
Genomic context (GRCh38, chr22:36,937,679, plus strand): 5'-ACATCCTGGGCCAGCCGGAGCCCCCACAGGAGGGTGGGAGCCAGAAGTCCCCACCTCCAG[G>A]GTCCCTGGAGTACCTGTGTCTGCCTGCTGGGGGGCAGGTGCAACTGGTCCCTCTGGCCCA-3'
Protein context (NP_000386.1, residues 614-634): EGGSQKSPPP[Gly624Glu]SLEYLCLPAG

ClinVar aggregate classification (germline): Uncertain significance (1 of 4 stars; one submission).

gnomAD v4.1: 13 of 1,554,110 alleles (0.00084%); highest among the groups gnomAD compares: Non-Finnish European, 0.0011%; no homozygotes.

Submission:

Labcorp Genetics (formerly Invitae), Labcorp
Classification: Uncertain significance. Last evaluated: 2026-01-23. Review status: criteria provided, single submitter. Criteria: Invitae Variant Classification Sherloc (09022015). Collection method: clinical testing. Allele origin: germline.
Comment: This sequence change replaces glycine, which is neutral and non-polar, with glutamic acid, which is acidic and polar, at codon 624 of the CSF2RB protein (p.Gly624Glu). This variant is present in population databases (no rsID available, gnomAD 0.002%). This variant has not been reported in the literature in individuals affected with CSF2RB-related conditions. Invitae Evidence Modeling of protein sequence and biophysical properties (such as structural, functional, and spatial information, amino acid conservation, physicochemical variation, residue mobility, and thermodynamic stability) has been performed for this missense variant. However, the output from this modeling did not meet the statistical confidence thresholds required to predict the impact of this variant on CSF2RB protein function. In summary, the available evidence is currently insufficient to determine the role of this variant in disease. Therefore, it has been classified as a Variant of Uncertain Significance.